The following is an entry in ClinVar:

ClinVar aggregate classification (germline): Conflicting classifications of pathogenicity. Review status: criteria provided, conflicting classifications (1 of 4 stars). 4 submissions from 4 submitters: Uncertain significance (1); Likely benign (3). Last evaluated 2025-01-12.

Conditions:
Hereditary spastic paraplegia 3A (SPG3A). Also called: SPASTIC PARAPLEGIA 3, AUTOSOMAL DOMINANT; FAMILIAL SPASTIC PARAPLEGIA, AUTOSOMAL DOMINANT, 1; SPG3; STRUMPELL DISEASE; Spastic Paraplegia 3A; Spastic paraplegia 3A, autosomal dominant. Identifiers: Orphanet 100984, MedGen C2931355, MONDO:0008437, OMIM 182600.
Inborn genetic diseases. Identifiers: MedGen C0950123, MeSH D030342.

Allele frequency attached by ClinVar (database versions not stated): gnomAD exomes 0.00002; ExAC 0.00003; TOPMed 0.00012; gnomAD 0.00013 and 0.00014; ESP Exome Variant Server 0.00023; 1000 Genomes Project 30x 0.00031.
gnomAD v4.1: 44 of 1,614,214 alleles (0.0027%); highest among the groups gnomAD compares: African/African-American, 0.051%; no homozygotes.

Submissions (4):

Labcorp Genetics (formerly Invitae), Labcorp
Classification: Likely benign for Hereditary spastic paraplegia 3A. Last evaluated: 2025-01-12. Review status: criteria provided, single submitter. Criteria: Invitae Variant Classification Sherloc (09022015). Collection method: clinical testing. Allele origin: germline.

Ambry Genetics
Classification: Likely benign for Inborn genetic diseases. Last evaluated: 2019-07-11. Review status: criteria provided, single submitter. Criteria: Ambry Variant Classification Scheme 2023. Collection method: clinical testing. Allele origin: germline.

Illumina Laboratory Services, Illumina
Classification: Uncertain significance for Hereditary spastic paraplegia 3A. Last evaluated: 2018-01-13. Review status: criteria provided, single submitter. Criteria: ICSL Variant Classification Criteria 13 December 2019. Collection method: clinical testing. Allele origin: germline.

GeneDx
Classification: Likely benign. Last evaluated: 2017-07-18. Review status: criteria provided, single submitter. Criteria: GeneDx Variant Classification (06012015). Collection method: clinical testing. Allele origin: germline. Affected: yes.
Comment: This variant is considered likely benign or benign based on one or more of the following criteria: it is a conservative change, it occurs at a poorly conserved position in the protein, it is predicted to be benign by multiple in silico algorithms, and/or has population frequency not consistent with disease.

NM_015915.5(ATL1):c.1152A>G (p.Pro384=)

Gene: ATL1 (atlastin GTPase 1; plus strand). Cytogenetic location: 14q22.1.
Variant type: single nucleotide variant.
Coding change: c.1152A>G on transcript NM_015915.5 (MANE Select); coding-DNA position 1152, A replaced by G.
Protein change: p.Pro384=; no amino-acid change (proline 384 retained).
Molecular consequence: synonymous variant.
Genome position (GRCh38, 1-based): chr14:50,628,063, A>G. VCF-style: chr14-50628063-A-G. GRCh37 (hg19) VCF-style: chr14-51094781-A-G.
Other names: c.1152A>G, p.Pro384= (NM_001127713.1, NM_181598.4).
Identifiers: ClinVar variation 313304 (VCV000313304.18), dbSNP rs377127492, ClinGen allele CA7180448.